The following is an entry in ClinVar:

NM_145262.4(GLYCTK):c.830G>A (p.Arg277His)

Gene: GLYCTK (glycerate kinase; plus strand). Cytogenetic location: 3p21.2.
Variant type: single nucleotide variant.
Coding change: c.830G>A on transcript NM_145262.4 (MANE Select); coding-DNA position 830, G replaced by A.
Protein change: p.Arg277His; replaces arginine 277 with histidine.
Molecular consequence: missense variant. On other transcripts: synonymous variant (1), non-coding transcript variant (3).
Genome position (GRCh38, 1-based): chr3:52,292,384, G>A. VCF-style: chr3-52292384-G-A. GRCh37 (hg19) VCF-style: chr3-52326400-G-A.
Other names: c.654G>A, p.Pro218= (NM_001144951.2); short protein forms R277H.
Identifiers: ClinVar variation 2054478 (VCV002054478.4), dbSNP rs1201297498, ClinGen allele CA353073573.
Genomic context (GRCh38, chr3:52,292,384, plus strand): 5'-CCGTGGCCAGTTCCCACAATGTGCAAGATTGCCTGCATATCCTCAATCGCTACGGCCTCC[G>A]TGCAGCCCTGCCACGTTCTGTGAAGACTGTGCTGTCTCGGGCCGACTCTGACCCCCATGG-3'
Protein context (NP_660305.2, residues 267-287): CLHILNRYGL[Arg277His]AALPRSVKTV

ClinVar aggregate classification (germline): Uncertain significance (1 of 4 stars; one submission).

Allele frequency attached by ClinVar (database versions not stated): gnomAD exomes below 0.00001; TOPMed below 0.00001; gnomAD 0.00001.
gnomAD v4.1: 4 of 1,613,780 alleles (0.00025%); highest among the groups gnomAD compares: Non-Finnish European, 0.00034%; no homozygotes.

Submission:

Labcorp Genetics (formerly Invitae), Labcorp
Classification: Uncertain significance. Last evaluated: 2022-09-06. Review status: criteria provided, single submitter. Criteria: Invitae Variant Classification Sherloc (09022015). Collection method: clinical testing. Allele origin: germline.
Comment: This sequence change replaces arginine, which is basic and polar, with histidine, which is basic and polar, at codon 277 of the GLYCTK protein (p.Arg277His). This variant is present in population databases (no rsID available, gnomAD 0.007%). This variant has not been reported in the literature in individuals affected with GLYCTK-related conditions. Algorithms developed to predict the effect of missense changes on protein structure and function (SIFT, PolyPhen-2, Align-GVGD) all suggest that this variant is likely to be tolerated. In summary, the available evidence is currently insufficient to determine the role of this variant in disease. Therefore, it has been classified as a Variant of Uncertain Significance.